The following is an entry in ClinVar:

ClinVar aggregate classification (germline): Conflicting classifications of pathogenicity. Review status: criteria provided, conflicting classifications (1 of 4 stars). 5 submissions from 5 submitters: Uncertain significance (2); Likely benign (3). Last evaluated 2026-08-01.

Conditions:
Progressive sclerosing poliodystrophy (MTDPS4A). Also called: Alpers Syndrome; Mitochondrial DNA depletion syndrome 4A (Alpers type); ALPERS DIFFUSE DEGENERATION OF CEREBRAL GRAY MATTER WITH HEPATIC CIRRHOSIS; Alpers-Huttenlocher Syndrome; ALPERS PROGRESSIVE INFANTILE POLIODYSTROPHY; NEURONAL DEGENERATION OF CHILDHOOD WITH LIVER DISEASE, PROGRESSIVE. Identifiers: Orphanet 726, MedGen C0205710, MONDO:0008758, OMIM 203700.

Allele frequency attached by ClinVar (database versions not stated): gnomAD 0.00001; TOPMed 0.00001; gnomAD exomes 0.00002.
gnomAD v4.1: 11 of 1,614,018 alleles (0.00068%); highest among the groups gnomAD compares: Admixed American, 0.018%; no homozygotes.

Submissions (5):

CeGaT Center for Human Genetics Tuebingen
Classification: Likely benign. Last evaluated: 2026-08-01. Review status: criteria provided, single submitter. Criteria: CeGaT Center For Human Genetics Tuebingen Variant Classification Criteria Version 2. Collection method: clinical testing. Allele origin: germline. Affected: yes. Observed: 2 variant alleles.
Comment: POLG: BP4, BP7

Women's Health and Genetics/Laboratory Corporation of America, LabCorp
Classification: Likely benign. Last evaluated: 2026-06-11. Review status: criteria provided, single submitter. Criteria: LabCorp Variant Classification Summary - May 2015. Collection method: clinical testing. Allele origin: germline.

Labcorp Genetics (formerly Invitae), Labcorp
Classification: Likely benign for Progressive sclerosing poliodystrophy. Last evaluated: 2026-01-11. Review status: criteria provided, single submitter. Criteria: Invitae Variant Classification Sherloc (09022015). Collection method: clinical testing. Allele origin: germline.

Athena Diagnostics
Classification: Uncertain significance. Last evaluated: 2024-10-21. Review status: criteria provided, single submitter. Criteria: Athena Diagnostics Criteria. Collection method: clinical testing. Allele origin: unknown.
Comment: Available data are insufficient to determine the clinical significance of the variant at this time. The frequency of this variant in the general population is uninformative in assessment of its pathogenicity. Computational tools yielded predictions that this variant may result in the gain of a cryptic splice site without affecting the natural splice sites.

GeneDx
Classification: Uncertain significance. Last evaluated: 2013-09-20. Review status: criteria provided, single submitter. Criteria: GeneDx Variant Classification (06012015). Collection method: clinical testing. Allele origin: germline. Affected: yes.
Comment: p.Gln843Gln (CAA>CAG): c.2529 A>G in exon 16 of the POLG gene (NM_002693.2). The c.2529 A>G nucleotide substitution has not been published as a mutation, nor has it been reported as a benign polymorphism to our knowledge. The NHLBI ESP Exome Variant Project did not identify c.2529 A>G in approximately 6500 individuals of European or African American ethnicity, indicating that it is not a common benign variant in these populations. Multiple in silico models predict that the c.2529 A>G substitution may create a new cryptic splice acceptor site that could supplant the natural site in exon 16 of the POLG gene and lead to abnormal splicing. However, in the absence of RNA/functional and clinical studies, the actual effect of the c.2529 A>G sequence change is unknown. The variant is found in CHILD-EPI,EPILEPSY panel(s).

NM_002693.3(POLG):c.2529A>G (p.Gln843=)

Gene: POLG (DNA polymerase gamma, catalytic subunit; minus strand). Cytogenetic location: 15q26.1.
Variant type: single nucleotide variant.
Coding change: c.2529A>G on transcript NM_002693.3 (MANE Select); coding-DNA position 2529, A replaced by G.
Protein change: p.Gln843=; no amino-acid change (glutamine 843 retained).
Molecular consequence: synonymous variant.
Genome position (GRCh38, 1-based): chr15:89,321,805, T>C on the plus strand (A>G on the coding strand, the complement: POLG is on the minus strand). VCF-style: chr15-89321805-T-C. GRCh37 (hg19) VCF-style: chr15-89865036-T-C.
Other names: p.Q843Q:CAA>CAG; c.2529A>G, p.Gln843= (NM_001126131.2).
Identifiers: ClinVar variation 206527 (VCV000206527.17), dbSNP rs369395629, ClinGen allele CA316699.